The following is an entry in ClinVar:

NM_206933.4(USH2A):c.9142G>A (p.Gly3048Ser)

Gene: USH2A (usherin; minus strand). Cytogenetic location: 1q41.
Variant type: single nucleotide variant.
Coding change: c.9142G>A on transcript NM_206933.4 (MANE Select); coding-DNA position 9142, G replaced by A.
Protein change: p.Gly3048Ser; replaces glycine 3048 with serine.
Molecular consequence: missense variant.
Genome position (GRCh38, 1-based): chr1:215,844,410, C>T on the plus strand (G>A on the coding strand, the complement: USH2A is on the minus strand). VCF-style: chr1-215844410-C-T. GRCh37 (hg19) VCF-style: chr1-216017752-C-T.
Other names: short protein forms G3048S.
Identifiers: ClinVar variation 1489869 (VCV001489869.8), dbSNP rs1260877507, ClinGen allele CA344838901.

ClinVar aggregate classification (germline): Uncertain significance. Review status: criteria provided, multiple submitters, no conflicts (2 of 4 stars). 2 submissions from 2 submitters: Uncertain significance (2). Last evaluated 2022-11-15.

Allele frequency attached by ClinVar (database versions not stated): gnomAD exomes below 0.00001; TOPMed below 0.00001; gnomAD 0.00001.
gnomAD v4.1: 2 of 1,613,454 alleles (0.00012%); highest among the groups gnomAD compares: Admixed American, 0.0033%; no homozygotes.

Submissions (2):

Labcorp Genetics (formerly Invitae), Labcorp
Classification: Uncertain significance. Last evaluated: 2022-11-15. Review status: criteria provided, single submitter. Criteria: Invitae Variant Classification Sherloc (09022015). Collection method: clinical testing. Allele origin: germline.
Comment: Advanced modeling of protein sequence and biophysical properties (such as structural, functional, and spatial information, amino acid conservation, physicochemical variation, residue mobility, and thermodynamic stability) has been performed at Invitae for this missense variant, however the output from this modeling did not meet the statistical confidence thresholds required to predict the impact of this variant on USH2A protein function. In summary, the available evidence is currently insufficient to determine the role of this variant in disease. Therefore, it has been classified as a Variant of Uncertain Significance. ClinVar contains an entry for this variant (Variation ID: 1489869). This variant has not been reported in the literature in individuals affected with USH2A-related conditions. This variant is present in population databases (no rsID available, gnomAD 0.003%). This sequence change replaces glycine, which is neutral and non-polar, with serine, which is neutral and polar, at codon 3048 of the USH2A protein (p.Gly3048Ser).

Blueprint Genetics
Classification: Uncertain significance. Last evaluated: 2022-11-06. Review status: criteria provided, single submitter. Criteria: ACMG Guidelines, 2015. Collection method: clinical testing. Allele origin: germline.